The following is an entry in ClinVar:

NM_004415.4(DSP):c.7248del (p.Phe2416fs)

Gene: DSP (desmoplakin; plus strand). Cytogenetic location: 6p24.3.
Variant type: Deletion.
Coding change: c.7248del on transcript NM_004415.4 (MANE Select); coding-DNA position 7248, one base deleted (T; older notation c.7248delT).
Protein change: p.Phe2416fs; shifts the reading frame from phenylalanine 2416.
Molecular consequence: frameshift variant.
Genome position (GRCh38, 1-based): chr6:7,584,510, T deleted; the last of 6 consecutive T bases (chr6:7,584,505-7,584,510); deleting any one gives the same sequence. VCF-style (leftmost placement, unchanged base first): chr6-7584504-AT-A. GRCh37 (hg19) VCF-style: chr6-7584737-AT-A.
Other names: c.7248del (LRG_423t1); c.5451del, p.Phe1817fs (NM_001008844.3); c.5919del, p.Phe1973fs (NM_001319034.2); short protein forms F1817fs, F2416fs, F1973fs.
Identifiers: ClinVar variation 180181 (VCV000180181.8), dbSNP rs730880024, ClinGen allele CA007160.

ClinVar aggregate classification (germline): Pathogenic/Likely pathogenic. Review status: criteria provided, multiple submitters, no conflicts (2 of 4 stars). 4 submissions from 4 submitters: Pathogenic (2); Likely pathogenic (1). 1 of the submissions does not count toward it. Last evaluated 2024-04-10.

Conditions:
Arrhythmogenic right ventricular dysplasia 8 (ARVD8). Also called: Arrhythmogenic Right Ventricular Dysplasia/Cardiomyopathy 8; ARRHYTHMOGENIC RIGHT VENTRICULAR DYSPLASIA, FAMILIAL, 8; ARRHYTHMOGENIC RIGHT VENTRICULAR CARDIOMYOPATHY 8. Identifiers: MedGen C1843896, MONDO:0011831, OMIM 607450.
Arrhythmogenic cardiomyopathy with wooly hair and keratoderma. Also called: Dilated cardiomyopathy with woolly hair and keratoderma; Arrhythmogenic cardiomyopathy with woolly hair and keratoderma; PALMOPLANTAR KERATODERMA WITH LEFT VENTRICULAR CARDIOMYOPATHY AND WOOLLY HAIR; Carvajal syndrome. Identifiers: Orphanet 65282, MedGen C1854063, MONDO:0011581, OMIM 605676.
Lethal acantholytic epidermolysis bullosa (EBLA). Identifiers: Orphanet 158687, MedGen C1864826, MONDO:0012323, OMIM 609638.

Submissions (4):

All of Us Research Program, National Institutes of Health
Classification: Likely pathogenic for Arrhythmogenic cardiomyopathy with wooly hair and keratoderma. Last evaluated: 2024-04-10. Review status: criteria provided, single submitter. Criteria: ACMG Guidelines, 2015. Collection method: clinical testing. Allele origin: germline. Inheritance: Autosomal dominant inheritance. Observed: 1 variant allele, 1 heterozygote.
Comment: This variant creates a premature termination codon in the last exon. The transcribed mRNA is predicted to escape nonsense-mediated decay and result in protein truncation. This variant was reported to be homozygous in one newborn with lethal acantholytic epidermolysis bullosa. This variant is absent from large population databases, including the Genome Aggregation Database.

This study involves interpretation of variants in research participants for the purpose of population health screening. Participant phenotype was not available at the time of variant classification. Additional details can be found in publication PMID: 35346344, PMCID: PMC8962531

Labcorp Genetics (formerly Invitae), Labcorp
Classification: Pathogenic for Arrhythmogenic cardiomyopathy with wooly hair and keratoderma; Arrhythmogenic right ventricular dysplasia 8. Last evaluated: 2023-09-21. Review status: criteria provided, single submitter. Criteria: Invitae Variant Classification Sherloc (09022015). Collection method: clinical testing. Allele origin: germline.
Comment: This variant is not present in population databases (gnomAD no frequency). This sequence change creates a premature translational stop signal (p.Phe2416Leufs*14) in the DSP gene. While this is not anticipated to result in nonsense mediated decay, it is expected to disrupt the last 456 amino acid(s) of the DSP protein. This premature translational stop signal has been observed in individual(s) with autosomal recessive lethal acantholytic epidermolysis bullosa and/or clinical features of autosomal dominant arrhythmogenic cardiomyopathy (PMID: 20613772; Invitae). ClinVar contains an entry for this variant (Variation ID: 180181). This variant disrupts a region of the DSP protein in which other variant(s) (p.Glu2728Glyfs*11) have been determined to be pathogenic (PMID: 21859740, 28527814; Invitae). This suggests that this is a clinically significant region of the protein, and that variants that disrupt it are likely to be disease-causing. For these reasons, this variant has been classified as Pathogenic.

GeneDx
Classification: Pathogenic. Last evaluated: 2017-06-27. Review status: criteria provided, single submitter. Criteria: GeneDx Variant Classification (06012015). Collection method: clinical testing. Allele origin: germline. Affected: yes.
Comment: The c.7248delT variant in the DSP gene has been reported previously in the homozygous state in an individual with acantholytic epidermolysis bullosa (Hobbs et al., 2010). The c.7248delT variant causes a frameshift starting with codon Phenylalanine 2416, changes this amino acid to a Leucine residue, and creates a premature Stop codon at position 14 of the new reading frame, denoted p.Phe2416LeufsX14. This variant is predicted to cause loss of normal protein function through protein truncation. The c.7248delT variant is not observed in large population cohorts (Lek et al., 2016; 1000 Genomes Consortium et al., 2015; Exome Variant Server). We interpret c.7248delT as a pathogenic variant.

OMIM
Classification: Pathogenic for EPIDERMOLYSIS BULLOSA, LETHAL ACANTHOLYTIC. Last evaluated: 2010-11-01. Review status: no assertion criteria provided. Collection method: literature only. Allele origin: germline. Not counted in ClinVar's aggregate classification.

Literature cited by the submitters: PubMed 20613772 (cited by 3 submitters); PubMed 21859740 (cited by Labcorp Genetics (formerly Invitae), Labcorp); PubMed 28527814 (cited by Labcorp Genetics (formerly Invitae), Labcorp).